The following is an entry in ClinVar:

NM_000057.4(BLM):c.92A>G (p.Lys31Arg)

Gene: BLM (BLM RecQ like helicase; plus strand). Cytogenetic location: 15q26.1.
Variant type: single nucleotide variant.
Coding change: c.92A>G on transcript NM_000057.4 (MANE Select); coding-DNA position 92, A replaced by G.
Protein change: p.Lys31Arg; replaces lysine 31 with arginine.
Molecular consequence: missense variant. On other transcripts: 5 prime UTR variant (1).
Genome position (GRCh38, 1-based): chr15:90,747,484, A>G. VCF-style: chr15-90747484-A-G. GRCh37 (hg19) VCF-style: chr15-91290714-A-G.
Other names: c.92A>G, p.Lys31Arg (NM_001287246.2, NM_001287247.2); c.-1200A>G (NM_001287248.2); short protein forms K31R.
Identifiers: ClinVar variation 4718383 (VCV004718383.1).

ClinVar aggregate classification (germline): Uncertain significance (1 of 4 stars; one submission).

Conditions:
Bloom syndrome (BLM). Also called: Bloom-Torre-Machacek syndrome. Identifiers: Orphanet 125, MedGen C0005859, MONDO:0008876, OMIM 210900.

Submission:

Labcorp Genetics (formerly Invitae), Labcorp
Classification: Uncertain significance for Bloom syndrome. Last evaluated: 2025-05-01. Review status: criteria provided, single submitter. Criteria: Invitae Variant Classification Sherloc (09022015). Collection method: clinical testing. Allele origin: germline.
Comment: This sequence change replaces lysine, which is basic and polar, with arginine, which is basic and polar, at codon 31 of the BLM protein (p.Lys31Arg). This variant is not present in population databases (gnomAD no frequency). This variant has not been reported in the literature in individuals affected with BLM-related conditions. An algorithm developed to predict the effect of missense changes on protein structure and function outputs the following: PolyPhen-2: "Benign". The arginine amino acid residue is found in multiple mammalian species, which suggests that this missense change does not adversely affect protein function. In summary, the available evidence is currently insufficient to determine the role of this variant in disease. Therefore, it has been classified as a Variant of Uncertain Significance.